The following is an entry in ClinVar:

NM_000138.5(FBN1):c.5140A>G (p.Met1714Val)

Gene: FBN1 (fibrillin 1; minus strand). Cytogenetic location: 15q21.1.
Variant type: single nucleotide variant.
Coding change: c.5140A>G on transcript NM_000138.5 (MANE Select); coding-DNA position 5140, A replaced by G.
Protein change: p.Met1714Val; replaces methionine 1714 with valine.
Molecular consequence: missense variant.
Genome position (GRCh38, 1-based): chr15:48,463,166, T>C on the plus strand (A>G on the coding strand, the complement: FBN1 is on the minus strand). VCF-style: chr15-48463166-T-C. GRCh37 (hg19) VCF-style: chr15-48755363-T-C.
Other names: short protein forms M1714V.
Identifiers: ClinVar variation 1332330 (VCV001332330.4), dbSNP rs1555396776, ClinGen allele CA015678.
Genomic context (GRCh38, chr15:48,463,166, plus strand): 5'-CACAGGGCTTGTTCCACGCCCGGCCAATGTTGTAGGAACAGCAGCACATCTTCTTGGTCA[T>C]GTTGAATAACAATTCTCCATCACAGGTCTGGTTGTCAGCATAGTAGTTTCTGTAGCACAA-3'
Protein context (NP_000129.3, residues 1704-1724): QTCDGELLFN[Met1714Val]TKKMCCCSYN

ClinVar aggregate classification (germline): Uncertain significance. Review status: criteria provided, multiple submitters, no conflicts (2 of 4 stars). 2 submissions from 2 submitters: Uncertain significance (2). Last evaluated 2024-03-06.

Conditions:
Familial thoracic aortic aneurysm and aortic dissection (TAAD). Also called: Thoracic aortic aneurysms and dissections. Identifiers: Orphanet 91387, MedGen C4707243, MONDO:0019625.
Marfan syndrome (MFS). Also called: Marfan syndrome type 1; Marfan's syndrome; FBN1-Related Marfan Syndrome; MARFAN SYNDROME, TYPE I; Marfan syndrome, classic. Identifiers: Orphanet 284963, Orphanet 558, MedGen C0024796, MONDO:0007947, OMIM 154700.

Allele frequency attached by ClinVar (database versions not stated): gnomAD exomes below 0.00001.

Submissions (2):

Color Diagnostics, LLC DBA Color Health
Classification: Uncertain significance for Familial thoracic aortic aneurysm and aortic dissection. Last evaluated: 2024-03-06. Review status: criteria provided, single submitter. Criteria: ACMG Guidelines, 2015. Collection method: clinical testing. Allele origin: germline.
Comment: This missense variant replaces methionine with valine at codon 1714 of the FBN1 protein. Computational prediction is inconclusive regarding the impact of this variant on protein structure and function (internally defined REVEL score threshold 0.5 < inconclusive < 0.7, PMID: 27666373). To our knowledge, functional studies have not been reported for this variant. This variant has not been reported in individuals affected with cardiovascular disorders in the literature. This variant has not been identified in the general population by the Genome Aggregation Database (gnomAD). The available evidence is insufficient to determine the role of this variant in disease conclusively. Therefore, this variant is classified as a Variant of Uncertain Significance.

All of Us Research Program, National Institutes of Health
Classification: Uncertain significance for Marfan syndrome. Last evaluated: 2024-03-05. Review status: criteria provided, single submitter. Criteria: ACMG Guidelines, 2015. Collection method: clinical testing. Allele origin: germline. Inheritance: Autosomal dominant inheritance. Observed: 1 variant allele, 1 heterozygote.
Comment: This missense variant replaces methionine with valine at codon 1714 of the FBN1 protein. Computational prediction is inconclusive regarding the impact of this variant on protein structure and function (internally defined REVEL score threshold 0.5 < inconclusive < 0.7, PMID: 27666373). To our knowledge, functional studies have not been reported for this variant. This variant has not been reported in individuals affected with cardiovascular disorders in the literature. This variant has not been identified in the general population by the Genome Aggregation Database (gnomAD). The available evidence is insufficient to determine the role of this variant in disease conclusively. Therefore, this variant is classified as a Variant of Uncertain Significance.

This study involves interpretation of variants in research participants for the purpose of population health screening. Participant phenotype was not available at the time of variant classification. Additional details can be found in publication PMID: 35346344, PMCID: PMC8962531